The following is an entry in ClinVar:

ClinVar aggregate classification (germline): Uncertain significance. Review status: criteria provided, single submitter (1 of 4 stars). 4 submissions from 4 submitters: Uncertain significance (1). 3 of the submissions do not count toward it. Last evaluated 2024-04-01.

Conditions:
Stormorken syndrome (STRMK). Also called: THROMBOCYTOPATHY, ASPLENIA, AND MIOSIS. Identifiers: Orphanet 3204, MedGen C1861451, MONDO:0008497, OMIM 185070.
Combined immunodeficiency due to STIM1 deficiency. Also called: STIM1 DEFICIENCY; IMMUNODEFICIENCY 10. Identifiers: Orphanet 169090, Orphanet 317430, MedGen C2748557, MONDO:0013008, OMIM 612783.
Myopathy with tubular aggregates (TAM). Also called: Tubular Aggregate Myopathy. Identifiers: Orphanet 2593, MedGen C0410207, MONDO:0008051.
STIM1-related disorder. Also called: STIM1-related condition.

Allele frequency attached by ClinVar (database versions not stated): gnomAD below 0.00001 and 0.00001; gnomAD exomes 0.00001 and 0.00002; ExAC 0.00004; 1000 Genomes Project 30x 0.00016; 1000 Genomes Project 0.00020.
gnomAD v4.1: 14 of 1,610,040 alleles (0.00087%); highest among the groups gnomAD compares: South Asian, 0.0099%; no homozygotes.

Submissions (4):

Labcorp Genetics (formerly Invitae), Labcorp
Classification: Uncertain significance for Myopathy with tubular aggregates; Combined immunodeficiency due to STIM1 deficiency; Stormorken syndrome. Last evaluated: 2024-04-01. Review status: criteria provided, single submitter. Criteria: Invitae Variant Classification Sherloc (09022015). Collection method: clinical testing. Allele origin: germline.
Comment: This sequence change falls in intron 2 of the STIM1 gene. It does not directly change the encoded amino acid sequence of the STIM1 protein. It affects a nucleotide within the consensus splice site. This variant is present in population databases (rs561797617, gnomAD 0.01%). This variant has not been reported in the literature in individuals affected with STIM1-related conditions. ClinVar contains an entry for this variant (Variation ID: 947217). Variants that disrupt the consensus splice site are a relatively common cause of aberrant splicing (PMID: 17576681, 9536098). Algorithms developed to predict the effect of sequence changes on RNA splicing suggest that this variant is not likely to affect RNA splicing. In summary, the available evidence is currently insufficient to determine the role of this variant in disease. Therefore, it has been classified as a Variant of Uncertain Significance.

PreventionGenetics, part of Exact Sciences
Classification: Likely benign for STIM1-related condition. Last evaluated: 2022-09-13. Review status: no assertion criteria provided. Collection method: clinical testing. Allele origin: germline. Not counted in ClinVar's aggregate classification.
Comment: This variant is classified as likely benign based on ACMG/AMP sequence variant interpretation guidelines (Richards et al. 2015 PMID: 25741868, with internal and published modifications).

Clinical Genetics DNA and cytogenetics Diagnostics Lab, Erasmus MC, Erasmus Medical Center
Classification: Likely benign. Review status: no assertion criteria provided. Collection method: clinical testing. Allele origin: germline. Affected: yes. Study: VKGL Data-share Consensus. Not counted in ClinVar's aggregate classification.

Genome Diagnostics Laboratory, University Medical Center Utrecht
Classification: Likely benign. Review status: no assertion criteria provided. Collection method: clinical testing. Allele origin: germline. Affected: yes. Study: VKGL Data-share Consensus. Not counted in ClinVar's aggregate classification.

Literature cited by the submitters: PubMed 17576681 (cited by Labcorp Genetics (formerly Invitae), Labcorp); PubMed 9536098 (cited by Labcorp Genetics (formerly Invitae), Labcorp).

NM_001382567.1(STIM1):c.271-3C>T

Gene: STIM1 (stromal interaction molecule 1; plus strand). Cytogenetic location: 11p15.4.
Variant type: single nucleotide variant.
Coding change: c.271-3C>T on transcript NM_001382567.1 (MANE Select); 3 bases into the intron before coding-DNA position 271, C replaced by T.
Molecular consequence: intron variant.
Genome position (GRCh38, 1-based): chr11:4,023,870, C>T. VCF-style: chr11-4023870-C-T. GRCh37 (hg19) VCF-style: chr11-4045100-C-T.
Other names: c.49-3C>T (NM_001382578.1, NM_001382575.1, NM_001382576.1 and 5 more transcripts); c.-219-3C>T (NM_001382580.1, NM_001382581.1); c.271-3C>T (NM_001382568.1, NM_001277962.2, NM_003156.4 and 3 more transcripts); c.136-3C>T (NM_001382569.1); c.-98-3C>T (NM_001382571.1).
Identifiers: ClinVar variation 947217 (VCV000947217.12), dbSNP rs561797617, ClinGen allele CA5830172.
Genomic context (GRCh38, chr11:4,023,870, plus strand): 5'-GTGGAGATCTTGACGGGCTGACTCCTAGGTATCTCTTGTGACTTGTGTACTTTTCCCTTG[C>T]AGTTCCTGAGGGAAGACCTCAATTACCATGACCCAACAGTGAAACACAGCACCTTCCATG-3'